The following is an entry in ClinVar:

NM_001797.4(CDH11):c.1746G>A (p.Met582Ile)

Gene: CDH11 (cadherin 11; minus strand). Cytogenetic location: 16q21.
Variant type: single nucleotide variant.
Coding change: c.1746G>A on transcript NM_001797.4 (MANE Select); coding-DNA position 1746, G replaced by A.
Protein change: p.Met582Ile; replaces methionine 582 with isoleucine.
Molecular consequence: missense variant.
Genome position (GRCh38, 1-based): chr16:64,950,915, C>T on the plus strand (G>A on the coding strand, the complement: CDH11 is on the minus strand). VCF-style: chr16-64950915-C-T. GRCh37 (hg19) VCF-style: chr16-64984818-C-T.
Other names: c.1746G>A, p.Met582Ile (NM_001308392.2); c.1368G>A, p.Met456Ile (NM_001330576.2); short protein forms M456I, M582I.
Identifiers: ClinVar variation 5039502 (VCV005039502.1).
Genomic context (GRCh38, chr16:64,950,915, plus strand): 5'-GAGCAGTGCCCCGTTCACGTCGCACCCGCAGACTTTGATGGTGAGGGTGTTGGTGCTACT[C>T]ATGGGCGGGATGCCGCCATCGCTGATCACTATGGGCAGAAGGTACAAGTCCTGCTTCTGC-3'
Protein context (NP_001788.2, residues 572-592): IVISDGGIPP[Met582Ile]SSTNTLTIKV

ClinVar aggregate classification (germline): Uncertain significance (1 of 4 stars; one submission).

gnomAD v4.1: 4 of 1,614,116 alleles (0.00025%); highest among the groups gnomAD compares: African/African-American, 0.0027%; no homozygotes.

Submission:

CeGaT Center for Human Genetics Tuebingen
Classification: Uncertain significance. Last evaluated: 2026-07-01. Review status: criteria provided, single submitter. Criteria: CeGaT Center For Human Genetics Tuebingen Variant Classification Criteria Version 2. Collection method: clinical testing. Allele origin: germline. Affected: yes. Observed: 1 variant allele.
Comment: CDH11: PM2